The following is an entry in ClinVar:

ClinVar aggregate classification (germline): Uncertain significance (1 of 4 stars; one submission).

Submission:

Laboratory for Molecular Medicine, Mass General Brigham Personalized Medicine
Classification: Uncertain significance. Last evaluated: 2017-01-03. Review status: criteria provided, single submitter. Criteria: LMM Criteria. Collection method: clinical testing. Allele origin: germline. Observed: 1 variant allele.
Comment: The p.Phe184Ser variant in TNNT2 has not been previously reported in individuals with cardiomyopathy or in large population studies. Computational prediction to ols and conservation analysis suggest that the p.Phe184Ser variant may impact th e protein, though this information is not predictive enough to determine pathoge nicity. In summary, the clinical significance of the p.Phe184Ser variant is unce rtain.

NM_001276345.2(TNNT2):c.581T>C (p.Phe194Ser)

Gene: TNNT2 (troponin T2, cardiac type; minus strand). Cytogenetic location: 1q32.1.
Variant type: single nucleotide variant.
Coding change: c.581T>C on transcript NM_001276345.2 (MANE Select); coding-DNA position 581, T replaced by C.
Protein change: p.Phe194Ser; replaces phenylalanine 194 with serine.
Molecular consequence: missense variant.
Genome position (GRCh38, 1-based): chr1:201,363,315, A>G on the plus strand (T>C on the coding strand, the complement: TNNT2 is on the minus strand). VCF-style: chr1-201363315-A-G. GRCh37 (hg19) VCF-style: chr1-201332443-A-G.
Other names: c.581T>C, p.Phe194Ser (NM_000364.4); c.551T>C, p.Phe184Ser (NM_001001430.3, NM_001001431.3, NM_001276347.2); c.536T>C, p.Phe179Ser (NM_001001432.3); c.461T>C, p.Phe154Ser (NM_001276346.2); short protein forms F184S, F194S, F179S, F154S.
Identifiers: ClinVar variation 517213 (VCV000517213.5), dbSNP rs1553281172, ClinGen allele CA344204302.